The following is an entry in ClinVar:

ClinVar aggregate classification (germline): Uncertain significance. Review status: criteria provided, multiple submitters, no conflicts (2 of 4 stars). 2 submissions from 2 submitters: Uncertain significance (2). Last evaluated 2025-11-09.

Conditions:
Developmental and epileptic encephalopathy, 30 (DEE30). Also called: Epileptic encephalopathy, early infantile, 30. Identifiers: MedGen C4225360, MONDO:0014595, OMIM 616341.

Submissions (2):

Labcorp Genetics (formerly Invitae), Labcorp
Classification: Uncertain significance for Developmental and epileptic encephalopathy, 30. Last evaluated: 2025-11-09. Review status: criteria provided, single submitter. Criteria: Invitae Variant Classification Sherloc (09022015). Collection method: clinical testing. Allele origin: germline.
Comment: This sequence change replaces aspartic acid, which is acidic and polar, with asparagine, which is neutral and polar, at codon 64 of the SIK1 protein (p.Asp64Asn). This variant is present in population databases (no rsID available, gnomAD 0.006%). This variant has not been reported in the literature in individuals affected with SIK1-related conditions. ClinVar contains an entry for this variant (Variation ID: 1807142). Invitae Evidence Modeling of protein sequence and biophysical properties (such as structural, functional, and spatial information, amino acid conservation, physicochemical variation, residue mobility, and thermodynamic stability) indicates that this missense variant is not expected to disrupt SIK1 protein function with a negative predictive value of 95%. In summary, the available evidence is currently insufficient to determine the role of this variant in disease. Therefore, it has been classified as a Variant of Uncertain Significance.

Athena Diagnostics
Classification: Uncertain significance. Last evaluated: 2021-11-01. Review status: criteria provided, single submitter. Criteria: Athena Diagnostics Criteria. Collection method: clinical testing. Allele origin: unknown.

NM_173354.5(SIK1):c.190G>A (p.Asp64Asn)

Gene: SIK1 (salt inducible kinase 1; minus strand). Cytogenetic location: 21q22.3.
Variant type: single nucleotide variant.
Coding change: c.190G>A on transcript NM_173354.5 (MANE Select); coding-DNA position 190, G replaced by A.
Protein change: p.Asp64Asn; replaces aspartic acid 64 with asparagine.
Molecular consequence: missense variant.
Genome position (GRCh38, 1-based): chr21:43,425,490, C>T on the plus strand (G>A on the coding strand, the complement: SIK1 is on the minus strand). VCF-style: chr21-43425490-C-T. GRCh37 (hg19) VCF-style: chr21-44845370-C-T.
Other names: short protein forms D64N.
Identifiers: ClinVar variation 1807142 (VCV001807142.4), dbSNP rs1302812968, ClinGen allele CA410610806.